The following is an entry in ClinVar:

ClinVar aggregate classification (germline): Uncertain significance. Review status: criteria provided, multiple submitters, no conflicts (2 of 4 stars). 2 submissions from 2 submitters: Uncertain significance (2). Last evaluated 2025-09-23.

Conditions:
Renal cell carcinoma. Identifiers: Orphanet 217071, MedGen C0007134, MeSH D002292, MONDO:0005086, HP:0005584.
Autosomal recessive nonsyndromic hearing loss 97. Also called: Deafness, autosomal recessive 97. Identifiers: Orphanet 90636, MedGen C4084709, MONDO:0014739, OMIM 616705.

Submissions (2):

Labcorp Genetics (formerly Invitae), Labcorp
Classification: Uncertain significance for Renal cell carcinoma. Last evaluated: 2025-09-23. Review status: criteria provided, single submitter. Criteria: Invitae Variant Classification Sherloc (09022015). Collection method: clinical testing. Allele origin: germline.
Comment: This sequence change replaces asparagine, which is neutral and polar, with lysine, which is basic and polar, at codon 256 of the MET protein (p.Asn256Lys). This variant is not present in population databases (gnomAD no frequency). This variant has not been reported in the literature in individuals affected with MET-related conditions. ClinVar contains an entry for this variant (Variation ID: 2676520). Invitae Evidence Modeling of protein sequence and biophysical properties (such as structural, functional, and spatial information, amino acid conservation, physicochemical variation, residue mobility, and thermodynamic stability) indicates that this missense variant is not expected to disrupt MET protein function with a negative predictive value of 80%. In summary, the available evidence is currently insufficient to determine the role of this variant in disease. Therefore, it has been classified as a Variant of Uncertain Significance.

Baylor Genetics
Classification: Uncertain significance for Autosomal recessive nonsyndromic hearing loss 97. Last evaluated: 2023-08-09. Review status: criteria provided, single submitter. Criteria: ACMG Guidelines, 2015. Collection method: clinical testing. Allele origin: unknown.

NM_000245.4(MET):c.768C>A (p.Asn256Lys)

Gene: MET (MET proto-oncogene, receptor tyrosine kinase; plus strand). Cytogenetic location: 7q31.2.
Variant type: single nucleotide variant.
Coding change: c.768C>A on transcript NM_000245.4 (MANE Select); coding-DNA position 768, C replaced by A.
Protein change: p.Asn256Lys; replaces asparagine 256 with lysine.
Molecular consequence: missense variant. On other transcripts: intron variant (1).
Genome position (GRCh38, 1-based): chr7:116,699,852, C>A. VCF-style: chr7-116699852-C-A. GRCh37 (hg19) VCF-style: chr7-116339906-C-A.
Other names: c.768C>A, p.Asn256Lys (NM_001127500.3, NM_001324401.3); c.-91+27275C>A (NM_001324402.2); short protein forms N256K.
Identifiers: ClinVar variation 2676520 (VCV002676520.4), dbSNP rs1221580502, ClinGen allele CA368969810.